The following is an entry in ClinVar:

ClinVar aggregate classification (germline): Uncertain significance (1 of 4 stars; one submission).

Conditions:
Familial hemophagocytic lymphohistiocytosis 3 (FHL3). Also called: UNC13D-Related Familial Hemophagocytic Lymphohistiocytosis (UNC13D-fHLH). Identifiers: Orphanet 540, MedGen C1837174, MONDO:0012146, OMIM 608898.

Allele frequency attached by ClinVar (database versions not stated): ExAC 0.00001; gnomAD 0.00003; gnomAD exomes 0.00004 and 0.00005; TOPMed 0.00006.
gnomAD v4.1: 74 of 1,613,758 alleles (0.0046%); highest among the groups gnomAD compares: South Asian, 0.0099%; no homozygotes.

Submission:

Labcorp Genetics (formerly Invitae), Labcorp
Classification: Uncertain significance for Familial hemophagocytic lymphohistiocytosis 3. Last evaluated: 2021-11-23. Review status: criteria provided, single submitter. Criteria: Invitae Variant Classification Sherloc (09022015). Collection method: clinical testing. Allele origin: germline.
Comment: This sequence change replaces arginine, which is basic and polar, with glutamine, which is neutral and polar, at codon 214 of the UNC13D protein (p.Arg214Gln). This variant is present in population databases (rs761043074, gnomAD 0.009%). This variant has not been reported in the literature in individuals affected with UNC13D-related conditions. ClinVar contains an entry for this variant (Variation ID: 853806). Algorithms developed to predict the effect of missense changes on protein structure and function are either unavailable or do not agree on the potential impact of this missense change (SIFT: "Not Available"; PolyPhen-2: "Possibly Damaging"; Align-GVGD: "Not Available"). In summary, the available evidence is currently insufficient to determine the role of this variant in disease. Therefore, it has been classified as a Variant of Uncertain Significance.

NM_199242.3(UNC13D):c.641G>A (p.Arg214Gln)

Gene: UNC13D (unc-13 homolog D; minus strand). Cytogenetic location: 17q25.1.
Variant type: single nucleotide variant.
Coding change: c.641G>A on transcript NM_199242.3 (MANE Select); coding-DNA position 641, G replaced by A.
Protein change: p.Arg214Gln; replaces arginine 214 with glutamine.
Molecular consequence: missense variant.
Genome position (GRCh38, 1-based): chr17:75,840,804, C>T on the plus strand (G>A on the coding strand, the complement: UNC13D is on the minus strand). VCF-style: chr17-75840804-C-T. GRCh37 (hg19) VCF-style: chr17-73836885-C-T.
Other names: short protein forms R214Q.
Identifiers: ClinVar variation 853806 (VCV000853806.5), dbSNP rs761043074, ClinGen allele CA8773368.